The following is an entry in ClinVar:

NM_032444.4(SLX4):c.2381A>T (p.Asp794Val)

Gene: SLX4 (SLX4 structure-specific endonuclease subunit; minus strand). Cytogenetic location: 16p13.3.
Variant type: single nucleotide variant.
Coding change: c.2381A>T on transcript NM_032444.4 (MANE Select); coding-DNA position 2381, A replaced by T.
Protein change: p.Asp794Val; replaces aspartic acid 794 with valine.
Molecular consequence: missense variant.
Genome position (GRCh38, 1-based): chr16:3,591,257, T>A on the plus strand (A>T on the coding strand, the complement: SLX4 is on the minus strand). VCF-style: chr16-3591257-T-A. GRCh37 (hg19) VCF-style: chr16-3641258-T-A.
Other names: c.2381A>T (LRG_503t1); short protein forms D794V.
Identifiers: ClinVar variation 456302 (VCV000456302.10), dbSNP rs201622632, ClinGen allele CA7866163.

ClinVar aggregate classification (germline): Uncertain significance. Review status: criteria provided, multiple submitters, no conflicts (2 of 4 stars). 2 submissions from 2 submitters: Uncertain significance (2). Last evaluated 2026-01-16.

Conditions:
Fanconi anemia complementation group P. Also called: SLX4-Related Fanconi Anemia. Identifiers: Orphanet 84, MedGen C3469542, MONDO:0013499, OMIM 613951.
Fanconi anemia (FA). Also called: Fanconi's anemia. Identifiers: Orphanet 84, MedGen C0015625, MeSH D005199, MONDO:0019391.

Allele frequency attached by ClinVar (database versions not stated): gnomAD exomes 0.00001 and 0.00009; TOPMed 0.00005; gnomAD 0.00006; ExAC 0.00008; 1000 Genomes Project 30x 0.00016; 1000 Genomes Project 0.00020.
gnomAD v4.1: 21 of 1,613,014 alleles (0.0013%); highest among the groups gnomAD compares: East Asian, 0.036%; no homozygotes.

Submissions (2):

Labcorp Genetics (formerly Invitae), Labcorp
Classification: Uncertain significance for Fanconi anemia. Last evaluated: 2026-01-16. Review status: criteria provided, single submitter. Criteria: Invitae Variant Classification Sherloc (09022015). Collection method: clinical testing. Allele origin: germline.
Comment: This sequence change replaces aspartic acid, which is acidic and polar, with valine, which is neutral and non-polar, at codon 794 of the SLX4 protein (p.Asp794Val). This variant is present in population databases (rs201622632, gnomAD 0.1%). This missense change has been observed in individual(s) with breast cancer or aplastic anemia (PMID: 26824983, 36622392). ClinVar contains an entry for this variant (Variation ID: 456302). An algorithm developed to predict the effect of missense changes on protein structure and function (PolyPhen-2) suggests that this variant is likely to be disruptive. In summary, the available evidence is currently insufficient to determine the role of this variant in disease. Therefore, it has been classified as a Variant of Uncertain Significance.

Fulgent Genetics
Classification: Uncertain significance for Fanconi anemia complementation group P. Last evaluated: 2024-05-23. Review status: criteria provided, single submitter. Criteria: ACMG Guidelines, 2015. Collection method: clinical testing. Allele origin: germline.

Literature cited by the submitters: PubMed 26824983 (cited by Labcorp Genetics (formerly Invitae), Labcorp); PubMed 36622392 (cited by Labcorp Genetics (formerly Invitae), Labcorp).